The following is an entry in ClinVar:

ClinVar aggregate classification (germline): Uncertain significance. Review status: criteria provided, multiple submitters, no conflicts (2 of 4 stars). 2 submissions from 2 submitters: Uncertain significance (2). Last evaluated 2023-11-22.

Allele frequency attached by ClinVar (database versions not stated): ExAC 0.00002; gnomAD exomes 0.00002; gnomAD 0.00005; TOPMed 0.00005; ESP Exome Variant Server 0.00015.
gnomAD v4.1: 35 of 1,611,362 alleles (0.0022%); highest among the groups gnomAD compares: Non-Finnish European, 0.0029%; no homozygotes.

Submissions (2):

Ambry Genetics
Classification: Uncertain significance. Last evaluated: 2023-11-22. Review status: criteria provided, single submitter. Criteria: Ambry Variant Classification Scheme 2023. Collection method: clinical testing. Allele origin: germline.

Labcorp Genetics (formerly Invitae), Labcorp
Classification: Uncertain significance. Last evaluated: 2022-08-22. Review status: criteria provided, single submitter. Criteria: Invitae Variant Classification Sherloc (09022015). Collection method: clinical testing. Allele origin: germline.
Comment: This sequence change replaces alanine, which is neutral and non-polar, with valine, which is neutral and non-polar, at codon 17 of the IFNAR1 protein (p.Ala17Val). This variant is present in population databases (rs143947592, gnomAD 0.007%). This variant has not been reported in the literature in individuals affected with IFNAR1-related conditions. Algorithms developed to predict the effect of missense changes on protein structure and function output the following: SIFT: "Tolerated"; PolyPhen-2: "Benign"; Align-GVGD: "Class C0". The valine amino acid residue is found in multiple mammalian species, which suggests that this missense change does not adversely affect protein function. In summary, the available evidence is currently insufficient to determine the role of this variant in disease. Therefore, it has been classified as a Variant of Uncertain Significance.

NM_000629.3(IFNAR1):c.50C>T (p.Ala17Val)

Genes: IFNAR1 (interferon alpha and beta receptor subunit 1; plus strand), LOC119230225 (IFNAR1 promoter region; plus strand). Cytogenetic location: 21q22.11.
Variant type: single nucleotide variant.
Coding change: c.50C>T on transcript NM_000629.3 (MANE Select); coding-DNA position 50, C replaced by T.
Protein change: p.Ala17Val; replaces alanine 17 with valine.
Molecular consequence: missense variant. On other transcripts: 5 prime UTR variant (2), intron variant (1).
Genome position (GRCh38, 1-based): chr21:33,325,105, C>T. VCF-style: chr21-33325105-C-T. GRCh37 (hg19) VCF-style: chr21-34697410-C-T.
Other names: c.50C>T, p.Ala17Val (NM_001384498.1, NM_001384499.1, NM_001384501.1 and 1 more transcripts); c.-737C>T (NM_001384500.1); c.-334C>T (NM_001384502.1); c.-132+467C>T (NM_001384504.1); c.50C>T (NM_000629.2); short protein forms A17V.
Identifiers: ClinVar variation 2021058 (VCV002021058.2), dbSNP rs143947592, ClinGen allele CA10006359.